The following is an entry in ClinVar:

NM_001457.4(FLNB):c.7709A>C (p.Asn2570Thr)

Gene: FLNB (filamin B; plus strand). Cytogenetic location: 3p14.3.
Variant type: single nucleotide variant.
Coding change: c.7709A>C on transcript NM_001457.4 (MANE Select); coding-DNA position 7709, A replaced by C.
Protein change: p.Asn2570Thr; replaces asparagine 2570 with threonine.
Molecular consequence: missense variant.
Genome position (GRCh38, 1-based): chr3:58,170,662, A>C. VCF-style: chr3-58170662-A-C. GRCh37 (hg19) VCF-style: chr3-58156389-A-C.
Other names: c.7802A>C, p.Asn2601Thr (NM_001164317.2); c.7676A>C, p.Asn2559Thr (NM_001164318.2); c.7637A>C, p.Asn2546Thr (NM_001164319.2); short protein forms N2570T, N2546T, N2559T, N2601T.
Identifiers: ClinVar variation 1900083 (VCV001900083.5), dbSNP rs377163032, ClinGen allele CA2469772.

ClinVar aggregate classification (germline): Uncertain significance (1 of 4 stars; one submission).

gnomAD v4.1: 2 of 1,614,068 alleles (0.00012%); highest among the groups gnomAD compares: Admixed American, 0.0033%; no homozygotes.

Submission:

Labcorp Genetics (formerly Invitae), Labcorp
Classification: Uncertain significance. Last evaluated: 2025-03-10. Review status: criteria provided, single submitter. Criteria: Invitae Variant Classification Sherloc (09022015). Collection method: clinical testing. Allele origin: germline.
Comment: This sequence change replaces asparagine, which is neutral and polar, with threonine, which is neutral and polar, at codon 2570 of the FLNB protein (p.Asn2570Thr). This variant is present in population databases (rs377163032, gnomAD 0.006%). This variant has not been reported in the literature in individuals affected with FLNB-related conditions. ClinVar contains an entry for this variant (Variation ID: 1900083). Invitae Evidence Modeling of protein sequence and biophysical properties (such as structural, functional, and spatial information, amino acid conservation, physicochemical variation, residue mobility, and thermodynamic stability) indicates that this missense variant is not expected to disrupt FLNB protein function with a negative predictive value of 95%. In summary, the available evidence is currently insufficient to determine the role of this variant in disease. Therefore, it has been classified as a Variant of Uncertain Significance.